The following is an entry in ClinVar:

NM_033305.3(VPS13A):c.1075A>T (p.Arg359Trp)

Gene: VPS13A (vacuolar protein sorting 13 homolog A; plus strand). Cytogenetic location: 9q21.2.
Variant type: single nucleotide variant.
Coding change: c.1075A>T on transcript NM_033305.3 (MANE Select); coding-DNA position 1075, A replaced by T.
Protein change: p.Arg359Trp; replaces arginine 359 with tryptophan.
Molecular consequence: missense variant.
Genome position (GRCh38, 1-based): chr9:77,221,270, A>T. VCF-style: chr9-77221270-A-T. GRCh37 (hg19) VCF-style: chr9-79836186-A-T.
Other names: c.1075A>T, p.Arg359Trp (NM_001018037.2, NM_001018038.3, NM_015186.4); short protein forms R359W.
Identifiers: ClinVar variation 3251062 (VCV003251062.18), dbSNP rs2537603036.
Genomic context (GRCh38, chr9:77,221,270, plus strand): 5'-CTTGAAGTAAATGTTTGCCCCAGGTTATGGATGTGGTCATGGAAGCATATTAGAAAACAT[A>T]GGCAAAAAGTGAAGCAATATAAAGAACTGTATAAAAAAAAGTTAACAAGTAAGAAGCCAC-3'
Protein context (NP_150648.2, residues 349-369): MWSWKHIRKH[Arg359Trp]QKVKQYKELY

ClinVar aggregate classification (germline): Uncertain significance (1 of 4 stars; one submission).

Submission:

CeGaT Center for Human Genetics Tuebingen
Classification: Uncertain significance. Last evaluated: 2024-06-01. Review status: criteria provided, single submitter. Criteria: CeGaT Center For Human Genetics Tuebingen Variant Classification Criteria Version 2. Collection method: clinical testing. Allele origin: germline. Affected: yes. Observed: 1 variant allele.
Comment: VPS13A: PM2